The following is an entry in ClinVar:

ClinVar aggregate classification (germline): Uncertain significance (1 of 4 stars; one submission).

Conditions:
VPS13B-related disorder. Also called: VPS13B-related condition.

Submission:

PreventionGenetics, part of Exact Sciences
Classification: Uncertain significance for VPS13B-related condition. Last evaluated: 2025-12-02. Review status: criteria provided, single submitter. Criteria: ACMG Guidelines, 2015. Collection method: clinical testing. Allele origin: germline.
Comment: The VPS13B c.5187G>A variant is predicted to result in the amino acid substitution p.Met1729Ile. To our knowledge, this variant has not been reported in the literature or in a large population database (gnomAD), indicating this variant is rare. At this time, the clinical significance of this variant is uncertain due to the absence of conclusive functional and genetic evidence.

NM_152564.5(VPS13B):c.5187G>A (p.Met1729Ile)

Gene: VPS13B (vacuolar protein sorting 13 homolog B; plus strand). Cytogenetic location: 8q22.2.
Variant type: single nucleotide variant.
Coding change: c.5187G>A on transcript NM_152564.5 (MANE Select); coding-DNA position 5187, G replaced by A.
Protein change: p.Met1729Ile; replaces methionine 1729 with isoleucine.
Molecular consequence: missense variant.
Genome position (GRCh38, 1-based): chr8:99,577,600, G>A. VCF-style: chr8-99577600-G-A. GRCh37 (hg19) VCF-style: chr8-100589828-G-A.
Other names: c.5262G>A, p.Met1754Ile (NM_017890.5); short protein forms M1754I, M1729I.
Identifiers: ClinVar variation 4990838 (VCV004990838.1).
Genomic context (GRCh38, chr8:99,577,600, plus strand): 5'-GGACTTCTTCCTAAGTGTGGCTCAAGTTCAACTCTTACATCAGTTAATAGTAGCAAATAT[G>A]ACTGGACTGGAACCATCAAACAAGGCTGCAGAGGTAACTGTTACCTGATTTTGATCAGGC-3'
Protein context (NP_689777.3, residues 1719-1739): QLLHQLIVAN[Met1729Ile]TGLEPSNKAA